The following is an entry in ClinVar:

ClinVar aggregate classification (germline): Uncertain significance (1 of 4 stars; one submission).

Conditions:
RASopathy. Also called: rasopathies; Noonan spectrum disorder. Identifiers: Orphanet 536391, MedGen C5555857, MONDO:0021060.

Submission:

Labcorp Genetics (formerly Invitae), Labcorp
Classification: Uncertain significance for RASopathy. Last evaluated: 2024-05-20. Review status: criteria provided, single submitter. Criteria: Invitae Variant Classification Sherloc (09022015). Collection method: clinical testing. Allele origin: germline.
Comment: This sequence change replaces glutamine, which is neutral and polar, with glutamic acid, which is acidic and polar, at codon 559 of the SHOC2 protein (p.Gln559Glu). This variant is not present in population databases (gnomAD no frequency). This variant has not been reported in the literature in individuals affected with SHOC2-related conditions. Advanced modeling of protein sequence and biophysical properties (such as structural, functional, and spatial information, amino acid conservation, physicochemical variation, residue mobility, and thermodynamic stability) performed at Invitae indicates that this missense variant is not expected to disrupt SHOC2 protein function with a negative predictive value of 80%. In summary, the available evidence is currently insufficient to determine the role of this variant in disease. Therefore, it has been classified as a Variant of Uncertain Significance.

NM_007373.4(SHOC2):c.1675C>G (p.Gln559Glu)

Gene: SHOC2 (SHOC2 leucine rich repeat scaffold protein; plus strand). Cytogenetic location: 10q25.2.
Variant type: single nucleotide variant.
Coding change: c.1675C>G on transcript NM_007373.4 (MANE Select); coding-DNA position 1675, C replaced by G.
Protein change: p.Gln559Glu; replaces glutamine 559 with glutamic acid.
Molecular consequence: missense variant. On other transcripts: non-coding transcript variant (1).
Genome position (GRCh38, 1-based): chr10:111,011,744, C>G. VCF-style: chr10-111011744-C-G. GRCh37 (hg19) VCF-style: chr10-112771502-C-G.
Other names: c.1537C>G, p.Gln513Glu (NM_001269039.3); c.1675C>G, p.Gln559Glu (NM_001324336.2, NM_001324337.2); short protein forms Q513E, Q559E.
Identifiers: ClinVar variation 3653905 (VCV003653905.2).
Genomic context (GRCh38, chr10:111,011,744, plus strand): 5'-CTCTGCAGCAAGCTTTCAATCATGAGTATTGAGAACTGTCCACTCAGTCACCTTCCACCT[C>G]AGATTGTTGCTGGGGGGCCTTCTTTCATCATTCAGTTCTTAAAGATGCAGGGTCCATATC-3'
Protein context (NP_031399.2, residues 549-569): ENCPLSHLPP[Gln559Glu]IVAGGPSFII